The following is an entry in ClinVar:

ClinVar aggregate classification (germline): Uncertain significance. Review status: criteria provided, multiple submitters, no conflicts (2 of 4 stars). 2 submissions from 2 submitters: Uncertain significance (2). Last evaluated 2021-01-14.

Conditions:
Inborn genetic diseases. Identifiers: MedGen C0950123, MeSH D030342.
Pseudohypoaldosteronism type 2C (PHA2C). Also called: Pseudohypoaldosteronism Type IIC. Identifiers: Orphanet 757, Orphanet 88940, MedGen C1840391, MONDO:0013778, OMIM 614492.
Neuropathy, hereditary sensory and autonomic, type 2A (HSAN2A). Also called: ACROOSTEOLYSIS, GIACCAI TYPE; ACROOSTEOLYSIS, NEUROGENIC; MORVAN DISEASE; NEUROPATHY, CONGENITAL SENSORY; NEUROPATHY, HEREDITARY SENSORY RADICULAR, AUTOSOMAL RECESSIVE; NEUROPATHY, HEREDITARY SENSORY, TYPE IIA. Identifiers: Orphanet 970, MedGen C2752089, MONDO:0024309, OMIM 201300.

Allele frequency attached by ClinVar (database versions not stated): gnomAD exomes below 0.00001.
gnomAD v4.1: 1 of 1,613,790 alleles (0.000062%); highest among the groups gnomAD compares: Non-Finnish European, 0.000085%; no homozygotes.

Submissions (2):

Ambry Genetics
Classification: Uncertain significance for Inborn genetic diseases. Last evaluated: 2021-01-14. Review status: criteria provided, single submitter. Criteria: Ambry Variant Classification Scheme 2023. Collection method: clinical testing. Allele origin: germline.
Comment: The p.A1778V variant (also known as c.5333C>T), located in coding exon 19 of the WNK1 gene, results from a C to T substitution at nucleotide position 5333. The alanine at codon 1778 is replaced by valine, an amino acid with similar properties. This amino acid position is well conserved in available vertebrate species; however, valine is the reference amino acid in other vertebrate species. In addition, this alteration is predicted to be tolerated by in silico analysis. Since supporting evidence is limited at this time, the clinical significance of this alteration remains unclear.

Labcorp Genetics (formerly Invitae), Labcorp
Classification: Uncertain significance for Neuropathy, hereditary sensory and autonomic, type 2A; Pseudohypoaldosteronism type 2C. Last evaluated: 2020-07-30. Review status: criteria provided, single submitter. Criteria: Invitae Variant Classification Sherloc (09022015). Collection method: clinical testing. Allele origin: germline.
Comment: In summary, the available evidence is currently insufficient to determine the role of this variant in disease. Therefore, it has been classified as a Variant of Uncertain Significance. Advanced modeling of protein sequence and biophysical properties (such as structural, functional, and spatial information, amino acid conservation, physicochemical variation, residue mobility, and thermodynamic stability) performed at Invitae indicates that this missense variant is not expected to disrupt WNK1 protein function. This variant has not been reported in the literature in individuals with WNK1-related conditions. This variant is not present in population databases (ExAC no frequency). This sequence change replaces alanine with valine at codon 1778 of the WNK1 protein (p.Ala1778Val). The alanine residue is highly conserved and there is a small physicochemical difference between alanine and valine.

NM_018979.4(WNK1):c.4577C>T (p.Ala1526Val)

Gene: WNK1 (WNK lysine deficient protein kinase 1; plus strand). Cytogenetic location: 12p13.33.
Variant type: single nucleotide variant.
Coding change: c.4577C>T on transcript NM_018979.4 (MANE Select); coding-DNA position 4577, C replaced by T.
Protein change: p.Ala1526Val; replaces alanine 1526 with valine.
Molecular consequence: missense variant.
Genome position (GRCh38, 1-based): chr12:885,381, C>T. VCF-style: chr12-885381-C-T. GRCh37 (hg19) VCF-style: chr12-994547-C-T.
Other names: c.5357C>T, p.Ala1786Val (NM_001184985.2); c.3836C>T, p.Ala1279Val (NM_014823.3); c.5333C>T, p.Ala1778Val (NM_213655.5); short protein forms A1279V, A1526V, A1778V, A1786V.
Identifiers: ClinVar variation 1016672 (VCV001016672.10), dbSNP rs1953558339, ClinGen allele CA383331508.